The following is an entry in ClinVar:

ClinVar aggregate classification (germline): Uncertain significance (1 of 4 stars; one submission).

Conditions:
SETBP1-related disorder. Also called: SETBP1-related condition; SETBP1-related disorders.

gnomAD v4.1: 3 of 1,614,042 alleles (0.00019%); highest among the groups gnomAD compares: Non-Finnish European, 0.00025%; no homozygotes.

Submission:

PreventionGenetics, part of Exact Sciences
Classification: Uncertain significance for SETBP1-related condition. Last evaluated: 2026-04-22. Review status: criteria provided, single submitter. Criteria: ACMG Guidelines, 2015. Collection method: clinical testing. Allele origin: germline.
Comment: The SETBP1 c.2471G>A variant is predicted to result in the amino acid substitution p.Ser824Asn. To our knowledge, this variant has not been reported in the literature or in a large population database (gnomAD), indicating this variant is rare. At this time, the clinical significance of this variant is uncertain due to the absence of conclusive functional and genetic evidence.

NM_015559.3(SETBP1):c.2471G>A (p.Ser824Asn)

Gene: SETBP1 (SET binding protein 1; plus strand). Cytogenetic location: 18q12.3.
Variant type: single nucleotide variant.
Coding change: c.2471G>A on transcript NM_015559.3 (MANE Select); coding-DNA position 2471, G replaced by A.
Protein change: p.Ser824Asn; replaces serine 824 with asparagine.
Molecular consequence: missense variant.
Genome position (GRCh38, 1-based): chr18:44,951,811, G>A. VCF-style: chr18-44951811-G-A. GRCh37 (hg19) VCF-style: chr18-42531776-G-A.
Other names: c.2471G>A, p.Ser824Asn (NM_001379141.1, NM_001379142.1, NM_001410862.1); short protein forms S824N.
Identifiers: ClinVar variation 4994270 (VCV004994270.1).
Genomic context (GRCh38, chr18:44,951,811, plus strand): 5'-CTATGCCAAATCTCCAGCCCATCAGTGCTCTTCCAACCAAAACCCAAAAGGGAATACACA[G>A]TGGAACCTGGAAGCTGTCTCCACCCAGACTGATGGCCAACTCCCCTTCACACCTGTGCGA-3'
Protein context (NP_056374.2, residues 814-834): LPTKTQKGIH[Ser824Asn]GTWKLSPPRL